The following is an entry in ClinVar:

ClinVar aggregate classification (germline): Likely benign. Review status: criteria provided, multiple submitters, no conflicts (2 of 4 stars). 3 submissions from 3 submitters: Likely benign (3). Last evaluated 2024-09-14.

Conditions:
Hereditary cancer-predisposing syndrome. Also called: Tumor predisposition; Hereditary neoplastic syndrome; Neoplastic Syndromes, Hereditary; Hereditary Cancer Syndrome. Identifiers: Orphanet 140162, MedGen C0027672, MeSH D009386, MONDO:0015356.
Hereditary breast ovarian cancer syndrome. Also called: Hereditary breast and/or ovarian cancer syndrome; Hereditary breast and ovarian cancer syndrome; Hereditary breast and ovarian cancer syndrome (HBOC); Hereditary breast and ovarian cancer; BRCA1- and BRCA2-Associated Hereditary Breast and Ovarian Cancer; Breast and ovarian cancer. Identifiers: Orphanet 145, MedGen C0677776, MeSH D061325, MONDO:0003582. Disease mechanism: loss of function.

Allele frequency attached by ClinVar (database versions not stated): gnomAD exomes below 0.00001.
gnomAD v4.1: 1 of 1,612,570 alleles (0.000062%); highest among the groups gnomAD compares: Non-Finnish European, 0.000085%; no homozygotes.

Submissions (3):

Labcorp Genetics (formerly Invitae), Labcorp
Classification: Likely benign for Hereditary breast ovarian cancer syndrome. Last evaluated: 2024-09-14. Review status: criteria provided, single submitter. Criteria: Invitae Variant Classification Sherloc (09022015). Collection method: clinical testing. Allele origin: germline.

Ambry Genetics
Classification: Likely benign for Hereditary cancer-predisposing syndrome. Last evaluated: 2023-09-29. Review status: criteria provided, single submitter. Criteria: Ambry Variant Classification Scheme 2023. Collection method: clinical testing. Allele origin: germline.

GeneDx
Classification: Likely benign. Last evaluated: 2016-06-13. Review status: criteria provided, single submitter. Criteria: GeneDx Variant Classification (06012015). Collection method: clinical testing. Allele origin: germline. Affected: yes.
Comment: This variant is considered likely benign or benign based on one or more of the following criteria: it is a conservative change, it occurs at a poorly conserved position in the protein, it is predicted to be benign by multiple in silico algorithms, and/or has population frequency not consistent with disease.

NM_000059.4(BRCA2):c.2934T>C (p.Asn978=)

Gene: BRCA2 (BRCA2 DNA repair associated; plus strand). Cytogenetic location: 13q13.1.
Variant type: single nucleotide variant.
Coding change: c.2934T>C on transcript NM_000059.4 (MANE Select); coding-DNA position 2934, T replaced by C.
Protein change: p.Asn978=; no amino-acid change (asparagine 978 retained).
Molecular consequence: synonymous variant.
Genome position (GRCh38, 1-based): chr13:32,337,289, T>C. VCF-style: chr13-32337289-T-C. GRCh37 (hg19) VCF-style: chr13-32911426-T-C.
Identifiers: ClinVar variation 380434 (VCV000380434.5), dbSNP rs1057520853, ClinGen allele CA16606668.